The following is an entry in ClinVar:

NM_020433.5(JPH2):c.1739C>A (p.Pro580His)

Gene: JPH2 (junctophilin 2; minus strand). Cytogenetic location: 20q13.12.
Variant type: single nucleotide variant.
Coding change: c.1739C>A on transcript NM_020433.5 (MANE Select); coding-DNA position 1739, C replaced by A.
Protein change: p.Pro580His; replaces proline 580 with histidine.
Molecular consequence: missense variant.
Genome position (GRCh38, 1-based): chr20:44,115,936, G>T on the plus strand (C>A on the coding strand, the complement: JPH2 is on the minus strand). VCF-style: chr20-44115936-G-T. GRCh37 (hg19) VCF-style: chr20-42744576-G-T.
Other names: short protein forms P580H.
Identifiers: ClinVar variation 1198756 (VCV001198756.3), dbSNP rs1162090571, ClinGen allele CA409100026.

ClinVar aggregate classification (germline): Uncertain significance. Review status: criteria provided, multiple submitters, no conflicts (2 of 4 stars). 2 submissions from 2 submitters: Uncertain significance (2). Last evaluated 2024-08-28.

Conditions:
Cardiovascular phenotype. Identifiers: MedGen CN230736.

gnomAD v4.1: 4 of 1,570,460 alleles (0.00025%); highest among the groups gnomAD compares: Admixed American, 0.0054%; no homozygotes.

Submissions (2):

Ambry Genetics
Classification: Uncertain significance for Cardiovascular phenotype. Last evaluated: 2024-08-28. Review status: criteria provided, single submitter. Criteria: Ambry Variant Classification Scheme 2023. Collection method: clinical testing. Allele origin: germline.

GeneDx
Classification: Uncertain significance. Last evaluated: 2021-04-19. Review status: criteria provided, single submitter. Criteria: GeneDx Variant Classification Process June 2021. Collection method: clinical testing. Allele origin: germline. Affected: yes.
Comment: Has not been previously published as pathogenic or benign to our knowledge; Not observed at a significant frequency in large population cohorts (Lek et al., 2016); In silico analysis supports that this missense variant does not alter protein structure/function